The following is an entry in ClinVar:

ClinVar aggregate classification (germline): Conflicting classifications of pathogenicity. Review status: criteria provided, conflicting classifications (1 of 4 stars). 4 submissions from 4 submitters: Uncertain significance (1); Likely benign (2). 1 of the submissions does not count toward it. Last evaluated 2025-03-17.

Conditions:
KANK1-related disorder. Also called: KANK1-related condition.

Allele frequency attached by ClinVar (database versions not stated): gnomAD 0.00012 and 0.00013; gnomAD exomes 0.00012 and 0.00027; TOPMed 0.00012; ESP Exome Variant Server 0.00015; ExAC 0.00021.
gnomAD v4.1: 209 of 1,614,038 alleles (0.013%); highest among the groups gnomAD compares: Middle Eastern, 0.033%; no homozygotes.

Submissions (4):

Labcorp Genetics (formerly Invitae), Labcorp
Classification: Likely benign. Last evaluated: 2025-03-17. Review status: criteria provided, single submitter. Criteria: Invitae Variant Classification Sherloc (09022015). Collection method: clinical testing. Allele origin: germline.

Ambry Genetics
Classification: Uncertain significance. Last evaluated: 2024-01-23. Review status: criteria provided, single submitter. Criteria: Ambry Variant Classification Scheme 2023. Collection method: clinical testing. Allele origin: germline.

Breakthrough Genomics
Classification: Likely benign. Review status: criteria provided, single submitter. Criteria: ACMG Guidelines, 2015. Collection method: not provided. Allele origin: germline. Inheritance: Unknown mechanism. Affected: yes.

PreventionGenetics, part of Exact Sciences
Classification: Likely benign for KANK1-related condition. Last evaluated: 2022-04-19. Review status: no assertion criteria provided. Collection method: clinical testing. Allele origin: germline. Not counted in ClinVar's aggregate classification.
Comment: This variant is classified as likely benign based on ACMG/AMP sequence variant interpretation guidelines (Richards et al. 2015 PMID: 25741868, with internal and published modifications).

NM_015158.5(KANK1):c.1357A>G (p.Lys453Glu)

Gene: KANK1 (KN motif and ankyrin repeat domains 1; plus strand). Cytogenetic location: 9p24.3.
Variant type: single nucleotide variant.
Coding change: c.1357A>G on transcript NM_015158.5 (MANE Select); coding-DNA position 1357, A replaced by G.
Protein change: p.Lys453Glu; replaces lysine 453 with glutamic acid.
Molecular consequence: missense variant. On other transcripts: non-coding transcript variant (1).
Genome position (GRCh38, 1-based): chr9:712,123, A>G. VCF-style: chr9-712123-A-G. GRCh37 (hg19) VCF-style: chr9-712123-A-G.
Other names: c.1357A>G, p.Lys453Glu (NM_001256876.3, NM_001256877.3, NM_001354331.2 and 2 more transcripts); c.883A>G, p.Lys295Glu (NM_001354333.2, NM_001354335.2, NM_001354336.2 and 9 more transcripts); c.1357A>G (NM_015158.2, NM_015158.3); short protein forms K295E, K453E.
Identifiers: ClinVar variation 1128472 (VCV001128472.13), dbSNP rs144580853, ClinGen allele CA4960198.
Genomic context (GRCh38, chr9:712,123, plus strand): 5'-ATGAGAAATTGTGGGGTCAGCGTGACAGAGGCCATGCTTGGAGTGATGACTGAAGCTGAC[A>G]AAGAAATTGAGCTGCAACAGCAGACCATAGAATCCTTGAAGGAAAAGATCTATCGCCTAG-3'
Protein context (NP_055973.2, residues 443-463): AMLGVMTEAD[Lys453Glu]EIELQQQTIE